The following is an entry in ClinVar:

ClinVar aggregate classification (germline): Uncertain significance (1 of 4 stars; one submission).

Conditions:
Myopathy, proximal, and ophthalmoplegia (CMYO6). Also called: MYOPATHY WITH CONGENITAL JOINT CONTRACTURES, OPHTHALMOPLEGIA, AND RIMMED VACUOLES; INCLUSION BODY MYOPATHY 3, AUTOSOMAL DOMINANT; CONGENITAL MYOPATHY 6 WITH OPHTHALMOPLEGIA. Identifiers: Orphanet 363677, Orphanet 79091, MedGen C1854106, MONDO:0011577, OMIM 605637.

gnomAD v4.1: 15 of 1,614,122 alleles (0.00093%); highest among the groups gnomAD compares: East Asian, 0.029%; no homozygotes.

Submission:

Labcorp Genetics (formerly Invitae), Labcorp
Classification: Uncertain significance for Myopathy, proximal, and ophthalmoplegia. Last evaluated: 2024-12-30. Review status: criteria provided, single submitter. Criteria: Invitae Variant Classification Sherloc (09022015). Collection method: clinical testing. Allele origin: germline.
Comment: This sequence change replaces serine, which is neutral and polar, with asparagine, which is neutral and polar, at codon 1205 of the MYH2 protein (p.Ser1205Asn). This variant is present in population databases (rs754686491, gnomAD 0.06%). This variant has not been reported in the literature in individuals affected with MYH2-related conditions. Invitae Evidence Modeling of protein sequence and biophysical properties (such as structural, functional, and spatial information, amino acid conservation, physicochemical variation, residue mobility, and thermodynamic stability) indicates that this missense variant is not expected to disrupt MYH2 protein function with a negative predictive value of 80%. In summary, the available evidence is currently insufficient to determine the role of this variant in disease. Therefore, it has been classified as a Variant of Uncertain Significance.

NM_017534.6(MYH2):c.3614G>A (p.Ser1205Asn)

Genes: MYHAS (myosin heavy chain gene cluster antisense RNA; plus strand), MYH2 (myosin heavy chain 2; minus strand). Cytogenetic location: 17p13.1.
Variant type: single nucleotide variant.
Coding change: c.3614G>A on transcript NM_017534.6 (MANE Select); coding-DNA position 3614, G replaced by A.
Protein change: p.Ser1205Asn; replaces serine 1205 with asparagine.
Molecular consequence: missense variant.
Genome position (GRCh38, 1-based): chr17:10,528,820, C>T on the plus strand (G>A on the coding strand, the complement: MYH2 is on the minus strand). VCF-style: chr17-10528820-C-T. GRCh37 (hg19) VCF-style: chr17-10432137-C-T.
Other names: c.3614G>A, p.Ser1205Asn (NM_001100112.2); short protein forms S1205N.
Identifiers: ClinVar variation 3665674 (VCV003665674.2).